The following is an entry in ClinVar:

NM_020457.3(THAP11):c.487A>T (p.Thr163Ser)

Genes: CENPT (centromere protein T; minus strand), THAP11 (THAP domain containing 11; plus strand). Cytogenetic location: 16q22.1.
Variant type: single nucleotide variant.
Coding change: c.487A>T on transcript NM_020457.3 (MANE Select); coding-DNA position 487, A replaced by T.
Protein change: p.Thr163Ser; replaces threonine 163 with serine.
Molecular consequence: missense variant. On other transcripts: intron variant (1).
Genome position (GRCh38, 1-based): chr16:67,843,041, A>T. VCF-style: chr16-67843041-A-T. GRCh37 (hg19) VCF-style: chr16-67876944-A-T.
Other names: c.-492+4360T>A (NM_025082.4); short protein forms T163S.
Identifiers: ClinVar variation 2721142 (VCV002721142.7), dbSNP rs140098026, ClinGen allele CA8118288.

ClinVar aggregate classification (germline): Uncertain significance. Review status: criteria provided, multiple submitters, no conflicts (2 of 4 stars). 2 submissions from 2 submitters: Uncertain significance (2). Last evaluated 2026-01-01.

Allele frequency attached by ClinVar (database versions not stated): gnomAD 0.00003; TOPMed 0.00005; 1000 Genomes Project 30x 0.00016; 1000 Genomes Project 0.00020.

Submissions (2):

CeGaT Center for Human Genetics Tuebingen
Classification: Uncertain significance. Last evaluated: 2026-01-01. Review status: criteria provided, single submitter. Criteria: CeGaT Center For Human Genetics Tuebingen Variant Classification Criteria Version 2. Collection method: clinical testing. Allele origin: germline. Affected: yes. Observed: 1 variant allele.
Comment: THAP11: PM2

Labcorp Genetics (formerly Invitae), Labcorp
Classification: Uncertain significance. Last evaluated: 2025-06-20. Review status: criteria provided, single submitter. Criteria: Invitae Variant Classification Sherloc (09022015). Collection method: clinical testing. Allele origin: germline.
Comment: This sequence change replaces threonine, which is neutral and polar, with serine, which is neutral and polar, at codon 163 of the THAP11 protein (p.Thr163Ser). This variant is present in population databases (rs140098026, gnomAD 0.05%). This variant has not been reported in the literature in individuals affected with THAP11-related conditions. ClinVar contains an entry for this variant (Variation ID: 2721142). Invitae Evidence Modeling of protein sequence and biophysical properties (such as structural, functional, and spatial information, amino acid conservation, physicochemical variation, residue mobility, and thermodynamic stability) indicates that this missense variant is not expected to disrupt THAP11 protein function with a negative predictive value of 80%. In summary, the available evidence is currently insufficient to determine the role of this variant in disease. Therefore, it has been classified as a Variant of Uncertain Significance.